The following is an entry in ClinVar:

ClinVar aggregate classification (germline): Likely benign. Review status: criteria provided, multiple submitters, no conflicts (2 of 4 stars). 2 submissions from 2 submitters: Likely benign (2). Last evaluated 2026-02-01.

Conditions:
Parkinsonian-pyramidal syndrome. Also called: PARKINSON DISEASE 15, AUTOSOMAL RECESSIVE; PALLIDOPYRAMIDAL SYNDROME; PARKINSON DISEASE 15, AUTOSOMAL RECESSIVE EARLY-ONSET. Identifiers: Orphanet 171695, MedGen C1850100, MONDO:0009830, OMIM 260300.

Allele frequency attached by ClinVar (database versions not stated): TOPMed 0.00002; gnomAD 0.00003; gnomAD exomes 0.00006; ExAC 0.00014.
gnomAD v4.1: 93 of 1,613,966 alleles (0.0058%); highest among the groups gnomAD compares: South Asian, 0.085%; 2 homozygotes.

Submissions (2):

CeGaT Center for Human Genetics Tuebingen
Classification: Likely benign. Last evaluated: 2026-02-01. Review status: criteria provided, single submitter. Criteria: CeGaT Center For Human Genetics Tuebingen Variant Classification Criteria Version 2. Collection method: clinical testing. Allele origin: germline. Affected: yes. Observed: 1 variant allele.
Comment: FBXO7: BS1

Labcorp Genetics (formerly Invitae), Labcorp
Classification: Likely benign for Parkinsonian-pyramidal syndrome. Last evaluated: 2024-02-04. Review status: criteria provided, single submitter. Criteria: Invitae Variant Classification Sherloc (09022015). Collection method: clinical testing. Allele origin: germline.

NM_012179.4(FBXO7):c.1082A>G (p.Asp361Gly)

Gene: FBXO7 (F-box protein 7; plus strand). Cytogenetic location: 22q12.3.
Variant type: single nucleotide variant.
Coding change: c.1082A>G on transcript NM_012179.4 (MANE Select); coding-DNA position 1082, A replaced by G.
Protein change: p.Asp361Gly; replaces aspartic acid 361 with glycine.
Molecular consequence: missense variant.
Genome position (GRCh38, 1-based): chr22:32,493,219, A>G. VCF-style: chr22-32493219-A-G. GRCh37 (hg19) VCF-style: chr22-32889206-A-G.
Other names: c.845A>G, p.Asp282Gly (NM_001033024.2); c.740A>G, p.Asp247Gly (NM_001257990.2); short protein forms D361G, D247G, D282G.
Identifiers: ClinVar variation 2195433 (VCV002195433.8), dbSNP rs765132485, ClinGen allele CA10201644.